The following is an entry in ClinVar:

ClinVar aggregate classification (germline): Likely benign. Review status: criteria provided, multiple submitters, no conflicts (2 of 4 stars). 4 submissions from 3 submitters: Likely benign (4). Last evaluated 2025-11-25.

Conditions:
Autosomal dominant nocturnal frontal lobe epilepsy 5. Also called: Epilepsy, nocturnal frontal lobe, 5; CILIARY DYSKINESIA, PRIMARY, 28, WITHOUT SITUS INVERSUS; CILIARY DYSKINESIA, PRIMARY, 28, WITH SITUS INVERSUS; KCNT1-Related Epilepsy. Identifiers: Orphanet 98784, MedGen C3554306, MONDO:0014002, OMIM 615005.
Developmental and epileptic encephalopathy, 14 (DEE14). Also called: Early infantile epileptic encephalopathy 14. Identifiers: Orphanet 293181, MedGen C3554195, MONDO:0013989, OMIM 614959.

Allele frequency attached by ClinVar (database versions not stated): gnomAD exomes 0.00003; gnomAD 0.00005; ExAC 0.00006; TOPMed 0.00009; ESP Exome Variant Server 0.00015.
gnomAD v4.1: 29 of 1,595,202 alleles (0.0018%); highest among the groups gnomAD compares: African/African-American, 0.015%; no homozygotes.

Submissions (4):

Labcorp Genetics (formerly Invitae), Labcorp
Classification: Likely benign for Autosomal dominant nocturnal frontal lobe epilepsy 5; Developmental and epileptic encephalopathy, 14. Last evaluated: 2025-11-25. Review status: criteria provided, single submitter. Criteria: Invitae Variant Classification Sherloc (09022015). Collection method: clinical testing. Allele origin: germline.

Genome-Nilou Lab
Classification: Likely benign for Developmental and epileptic encephalopathy, 14. Last evaluated: 2022-03-15. Review status: criteria provided, single submitter. Criteria: ACMG Guidelines, 2015. Collection method: clinical testing. Allele origin: germline. Affected: no.

Genome-Nilou Lab
Classification: Likely benign for Autosomal dominant nocturnal frontal lobe epilepsy 5. Last evaluated: 2022-03-15. Review status: criteria provided, single submitter. Criteria: ACMG Guidelines, 2015. Collection method: clinical testing. Allele origin: germline. Affected: no.

GeneDx
Classification: Likely benign. Last evaluated: 2017-01-18. Review status: criteria provided, single submitter. Criteria: GeneDx Variant Classification (06012015). Collection method: clinical testing. Allele origin: germline. Affected: yes.
Comment: This variant is considered likely benign or benign based on one or more of the following criteria: it is a conservative change, it occurs at a poorly conserved position in the protein, it is predicted to be benign by multiple in silico algorithms, and/or has population frequency not consistent with disease.

NM_020822.3(KCNT1):c.2008+20C>T

Gene: KCNT1 (potassium sodium-activated channel subfamily T member 1; plus strand). Cytogenetic location: 9q34.3.
Variant type: single nucleotide variant.
Coding change: c.2008+20C>T on transcript NM_020822.3 (MANE Select); 20 bases into the intron after coding-DNA position 2008, C replaced by T.
Molecular consequence: intron variant.
Genome position (GRCh38, 1-based): chr9:135,771,115, C>T. VCF-style: chr9-135771115-C-T. GRCh37 (hg19) VCF-style: chr9-138662961-C-T.
Other names: c.1873+20C>T (NM_001272003.2).
Identifiers: ClinVar variation 506957 (VCV000506957.10), dbSNP rs371649094, ClinGen allele CA5327153.